The following is an entry in ClinVar:

NM_002474.3(MYH11):c.5349T>C (p.Asn1783=)

Genes: MYH11 (myosin heavy chain 11; minus strand), NDE1 (nudE neurodevelopment protein 1; plus strand). Cytogenetic location: 16p13.11.
Variant type: single nucleotide variant.
Coding change: c.5349T>C on transcript NM_002474.3 (MANE Select); coding-DNA position 5349, T replaced by C.
Protein change: p.Asn1783=; no amino-acid change (asparagine 1783 retained).
Molecular consequence: synonymous variant. On other transcripts: intron variant (2).
Genome position (GRCh38, 1-based): chr16:15,717,295, A>G on the plus strand (T>C on the coding strand, the complement: MYH11 is on the minus strand). VCF-style: chr16-15717295-A-G. GRCh37 (hg19) VCF-style: chr16-15811152-A-G.
Other names: c.5370T>C, p.Asn1790= (NM_001040113.2, NM_001040114.2); c.5349T>C, p.Asn1783= (NM_022844.3); c.948-6896A>G (NM_001143979.2, NM_017668.3).
Identifiers: ClinVar variation 3387167 (VCV003387167.3).

ClinVar aggregate classification (germline): Likely benign. Review status: criteria provided, multiple submitters, no conflicts (2 of 4 stars). 2 submissions from 2 submitters: Likely benign (2). Last evaluated 2024-06-17.

Conditions:
Aortic aneurysm, familial thoracic 4 (AAT4). Also called: AORTIC ANEURYSM/AORTIC DISSECTION AND PATENT DUCTUS ARTERIOSUS. Identifiers: MedGen C1851504, MONDO:0007568, OMIM 132900.
Familial thoracic aortic aneurysm and aortic dissection (TAAD). Also called: Thoracic aortic aneurysms and dissections. Identifiers: Orphanet 91387, MedGen C4707243, MONDO:0019625.

Submissions (2):

All of Us Research Program, National Institutes of Health
Classification: Likely benign for Familial thoracic aortic aneurysm and aortic dissection. Last evaluated: 2024-06-17. Review status: criteria provided, single submitter. Criteria: ACMG Guidelines, 2015. Collection method: clinical testing. Allele origin: germline. Inheritance: Autosomal dominant inheritance. Observed: 1 variant allele, 1 heterozygote.
Comment: This study involves interpretation of variants in research participants for the purpose of population health screening. Participant phenotype was not available at the time of variant classification. Additional details can be found in publication PMID: 35346344, PMCID: PMC8962531

Labcorp Genetics (formerly Invitae), Labcorp
Classification: Likely benign for Aortic aneurysm, familial thoracic 4. Last evaluated: 2024-03-21. Review status: criteria provided, single submitter. Criteria: Invitae Variant Classification Sherloc (09022015). Collection method: clinical testing. Allele origin: germline.